The following is an entry in ClinVar:

ClinVar aggregate classification (germline): Pathogenic/Likely pathogenic. Review status: criteria provided, multiple submitters, no conflicts (2 of 4 stars). 2 submissions from 2 submitters: Pathogenic (1); Likely pathogenic (1). Last evaluated 2022-04-20.

Conditions:
Primary ciliary dyskinesia. Also called: Ciliary dyskinesia. Identifiers: Orphanet 244, MedGen C0008780, MONDO:0016575, HP:0012265.
Primary ciliary dyskinesia 14. Also called: CILIARY DYSKINESIA, PRIMARY, 14, WITH OR WITHOUT SITUS INVERSUS. Identifiers: Orphanet 244, MedGen C3151136, MONDO:0013434, OMIM 613807.

Allele frequency attached by ClinVar (database versions not stated): TOPMed below 0.00001; gnomAD 0.00001.

Submissions (2):

Fulgent Genetics
Classification: Likely pathogenic for Primary ciliary dyskinesia 14. Last evaluated: 2022-04-20. Review status: criteria provided, single submitter. Criteria: ACMG Guidelines, 2015. Collection method: clinical testing. Allele origin: unknown.

Labcorp Genetics (formerly Invitae), Labcorp
Classification: Pathogenic for Primary ciliary dyskinesia. Last evaluated: 2020-03-10. Review status: criteria provided, single submitter. Criteria: Invitae Variant Classification Sherloc (09022015). Collection method: clinical testing. Allele origin: germline.
Comment: This variant is not present in population databases (ExAC no frequency). This sequence change creates a premature translational stop signal (p.Gln779*) in the CCDC39 gene. It is expected to result in an absent or disrupted protein product. This variant has not been reported in the literature in individuals with CCDC39-related conditions. Algorithms developed to predict the effect of sequence changes on RNA splicing suggest that this variant may create or strengthen a splice site, but this prediction has not been confirmed by published transcriptional studies. Loss-of-function variants in CCDC39 are known to be pathogenic (PMID: 21131972, 23255504). For these reasons, this variant has been classified as Pathogenic.

Literature cited by the submitters: PubMed 21131972 (cited by Labcorp Genetics (formerly Invitae), Labcorp); PubMed 23255504 (cited by Labcorp Genetics (formerly Invitae), Labcorp).

NM_181426.2(CCDC39):c.2335C>T (p.Gln779Ter)

Genes: CCDC39 (coiled-coil domain 39 molecular ruler complex subunit; minus strand), TTC14 (tetratricopeptide repeat domain 14; plus strand). Cytogenetic location: 3q26.33.
Variant type: single nucleotide variant.
Coding change: c.2335C>T on transcript NM_181426.2 (MANE Select); coding-DNA position 2335, C replaced by T.
Protein change: p.Gln779Ter; replaces glutamine 779 with a stop codon.
Molecular consequence: nonsense. On other transcripts: intron variant (1).
Genome position (GRCh38, 1-based): chr3:180,616,897, G>A on the plus strand (C>T on the coding strand, the complement: CCDC39 is on the minus strand). VCF-style: chr3-180616897-G-A. GRCh37 (hg19) VCF-style: chr3-180334685-G-A.
Other names: c.1775-483G>A (NM_001288582.2); short protein forms Q779*.
Identifiers: ClinVar variation 1068490 (VCV001068490.8), dbSNP rs1717267418, ClinGen allele CA355305657.
Genomic context (GRCh38, chr3:180,616,897, plus strand): 5'-CTCTTTCTAATTTTGGCTTCTGCTCCTCCGTTTCTTTACTTAGTTGAAATGAATAAGCCT[G>A]CTTCTCTGATAACTTTTCTTTAACATTATTTGCCAAATGTTCTATAACATCTAATGTATT-3'